The following is an entry in ClinVar:

NM_022370.4(ROBO3):c.3593G>A (p.Arg1198His)

Gene: ROBO3 (roundabout guidance receptor 3; plus strand). Cytogenetic location: 11q24.2.
Variant type: single nucleotide variant.
Coding change: c.3593G>A on transcript NM_022370.4 (MANE Select); coding-DNA position 3593, G replaced by A.
Protein change: p.Arg1198His; replaces arginine 1198 with histidine.
Molecular consequence: missense variant. On other transcripts: non-coding transcript variant (7).
Genome position (GRCh38, 1-based): chr11:124,879,249, G>A. VCF-style: chr11-124879249-G-A. GRCh37 (hg19) VCF-style: chr11-124749145-G-A.
Other names: c.740G>A, p.Arg247His (NM_001370356.1, NM_001370357.1, NM_001370358.1 and 2 more transcripts); c.545G>A, p.Arg182His (NM_001370364.1, NM_001370366.1); short protein forms R1198H, R182H, R247H.
Identifiers: ClinVar variation 303271 (VCV000303271.30), dbSNP rs148372884, ClinGen allele CA6344200.
Genomic context (GRCh38, chr11:124,879,249, plus strand): 5'-GGAGGGTGCCCCTTGGGCCGAGTTCCCCTCTCAGTGTATCCCAGCCCATGCTGGGCATCC[G>A]TGAAGCGAGGCCTGCTGGCTTGGGTGCTGGCCCTGCAGCCTCACCCCACCTCAGCCCCAG-3'
Protein context (NP_071765.2, residues 1188-1208): LSVSQPMLGI[Arg1198His]EARPAGLGAG

ClinVar aggregate classification (germline): Benign. Review status: criteria provided, multiple submitters, no conflicts (2 of 4 stars). 3 submissions from 3 submitters: Benign (3). Last evaluated 2026-09-01.

Conditions:
Gaze palsy, familial horizontal, with progressive scoliosis 1 (HGPPS1). Identifiers: Orphanet 2744, MedGen C4551964, MONDO:0020790, OMIM 607313.

Allele frequency attached by ClinVar (database versions not stated): 1000 Genomes Project 30x 0.00312; 1000 Genomes Project 0.00319; TOPMed 0.00529; ESP Exome Variant Server 0.00583; gnomAD exomes 0.00729 and 0.01012; gnomAD 0.00730 and 0.00768; ExAC 0.01154.
gnomAD v4.1: 15,188 of 1,565,286 alleles (0.97%); highest among the groups gnomAD compares: Non-Finnish European, 1.1%; 104 homozygotes.

Submissions (3):

CeGaT Center for Human Genetics Tuebingen
Classification: Benign. Last evaluated: 2026-09-01. Review status: criteria provided, single submitter. Criteria: CeGaT Center For Human Genetics Tuebingen Variant Classification Criteria Version 2. Collection method: clinical testing. Allele origin: germline. Affected: yes. Observed: 10 variant alleles.
Comment: ROBO3: BP4, BS1, BS2

Illumina Laboratory Services, Illumina
Classification: Benign for Gaze palsy, familial horizontal, with progressive scoliosis 1. Last evaluated: 2018-01-12. Review status: criteria provided, single submitter. Criteria: ICSL Variant Classification Criteria 13 December 2019. Collection method: clinical testing. Allele origin: germline.
Comment: This variant was observed in the ICSL laboratory as part of a predisposition screen in an ostensibly healthy population. It had not been previously curated by ICSL or reported in the Human Gene Mutation Database (HGMD: prior to June 1st, 2018), and was therefore a candidate for classification through an automated scoring system. Utilizing variant allele frequency, disease prevalence and penetrance estimates, and inheritance mode, an automated score was calculated to assess if this variant is too frequent to cause the disease. Based on the score and internal cut-off values, a variant classified as benign is not then subjected to further curation. The score for this variant resulted in a classification of benign for this disease.

Breakthrough Genomics
Classification: Benign. Review status: criteria provided, single submitter. Criteria: ACMG Guidelines, 2015. Collection method: not provided. Allele origin: germline. Inheritance: Autosomal recessive inheritance. Affected: yes.